The following is an entry in ClinVar:

NM_001081.4(CUBN):c.8881A>T (p.Thr2961Ser)

Gene: CUBN (cubilin; minus strand). Cytogenetic location: 10p13.
Variant type: single nucleotide variant.
Coding change: c.8881A>T on transcript NM_001081.4 (MANE Select); coding-DNA position 8881, A replaced by T.
Protein change: p.Thr2961Ser; replaces threonine 2961 with serine.
Molecular consequence: missense variant.
Genome position (GRCh38, 1-based): chr10:16,888,441, T>A on the plus strand (A>T on the coding strand, the complement: CUBN is on the minus strand). VCF-style: chr10-16888441-T-A. GRCh37 (hg19) VCF-style: chr10-16930440-T-A.
Other names: short protein forms T2961S.
Identifiers: ClinVar variation 1497071 (VCV001497071.6), dbSNP rs774440223, ClinGen allele CA5422885.

ClinVar aggregate classification (germline): Uncertain significance (1 of 4 stars; one submission).

Conditions:
Imerslund-Grasbeck syndrome. Also called: ENTEROCYTE COBALAMIN MALABSORPTION; ENTEROCYTE INTRINSIC FACTOR RECEPTOR, DEFECT OF; Megaloblastic anemia due to inborn errors of metabolism; PERNICIOUS ANEMIA, JUVENILE, DUE TO SELECTIVE INTESTINAL MALABSORPTION OF VITAMIN B12, WITH PROTEINURIA; Imerslund-Gräsbeck syndrome. Identifiers: Orphanet 35858, MedGen C4551825, MONDO:0009853.

Allele frequency attached by ClinVar (database versions not stated): gnomAD exomes below 0.00001 and 0.00001; ExAC 0.00001; gnomAD 0.00001.
gnomAD v4.1: 7 of 1,613,428 alleles (0.00043%); highest among the groups gnomAD compares: Admixed American, 0.0017%; no homozygotes.

Submission:

Labcorp Genetics (formerly Invitae), Labcorp
Classification: Uncertain significance for Imerslund-Grasbeck syndrome. Last evaluated: 2022-01-02. Review status: criteria provided, single submitter. Criteria: Invitae Variant Classification Sherloc (09022015). Collection method: clinical testing. Allele origin: germline.
Comment: In summary, the available evidence is currently insufficient to determine the role of this variant in disease. Therefore, it has been classified as a Variant of Uncertain Significance. Algorithms developed to predict the effect of missense changes on protein structure and function are either unavailable or do not agree on the potential impact of this missense change (SIFT: "Tolerated"; PolyPhen-2: "Possibly Damaging"; Align-GVGD: "Class C0"). This variant has not been reported in the literature in individuals affected with CUBN-related conditions. This variant is present in population databases (rs774440223, gnomAD 0.01%). This sequence change replaces threonine, which is neutral and polar, with serine, which is neutral and polar, at codon 2961 of the CUBN protein (p.Thr2961Ser).